The following is an entry in ClinVar:

NM_001267550.2(TTN):c.63898_63899del (p.His21300fs)

Genes: TTN (titin; minus strand), TTN-AS1 (TTN antisense RNA 1; plus strand). Cytogenetic location: 2q31.2.
Variant type: Microsatellite.
Coding change: c.63898_63899del on transcript NM_001267550.2 (MANE Select); coding-DNA positions 63898 to 63899, 2 bases deleted (CA; older notation c.63898_63899delCA).
Protein change: p.His21300fs; shifts the reading frame from histidine 21300.
Molecular consequence: frameshift variant.
Genome position (GRCh38, 1-based): chr2:178,587,312-178,587,313, TG deleted on the plus strand (CA on the coding strand, the reverse complement: TTN is on the minus strand); deleting any 2 consecutive bases within chr2:178,587,312-178,587,316 gives the same sequence; the c. name uses the placement nearest the transcript's 3' end. VCF-style (leftmost placement, unchanged base first): chr2-178587311-ATG-A. GRCh37 (hg19) VCF-style: chr2-179452038-ATG-A.
Other names: c.58975_58976del, p.His19659fs (NM_001256850.1); c.36703_36704del, p.His12235fs (NM_003319.4); c.56194_56195del, p.His18732fs (NM_133378.4); c.37078_37079del, p.His12360fs (NM_133432.3); c.37279_37280del, p.His12427fs (NM_133437.4); c.36703_36704delCA (NM_003319.4); short protein forms H12235fs, H12360fs, H18732fs, H21300fs, H12427fs, H19659fs.
Identifiers: ClinVar variation 2586515 (VCV002586515.3), dbSNP rs2469283584, ClinGen allele CA2582342044.

ClinVar aggregate classification (germline): Likely pathogenic. Review status: criteria provided, multiple submitters, no conflicts (2 of 4 stars). 2 submissions from 2 submitters: Likely pathogenic (2). Last evaluated 2023-06-28.

Conditions:
Cardiovascular phenotype. Identifiers: MedGen CN230736.

Submissions (2):

Molecular Diagnostic Laboratory for Inherited Cardiovascular Disease, Montreal Heart Institute
Classification: Likely pathogenic for Cardiovascular phenotype. Last evaluated: 2023-06-28. Review status: criteria provided, single submitter. Criteria: ACMG Guidelines, 2015. Collection method: clinical testing. Allele origin: germline. Affected: yes.

Ambry Genetics
Classification: Likely pathogenic for Cardiovascular phenotype. Last evaluated: 2023-06-27. Review status: criteria provided, single submitter. Criteria: Ambry Variant Classification Scheme 2023. Collection method: clinical testing. Allele origin: germline.
Comment: The c.36703_36704delCA variant, located in coding exon 134 of the TTN gene, results from a deletion of two nucleotides at nucleotide positions 36703 to 36704, causing a translational frameshift with a predicted alternate stop codon (p.H12235Lfs*7). This exon is located in the A-band region of the N2-B isoform of the titin protein and is constitutively expressed in TTN transcripts (percent spliced in or PSI 100%). This variant is considered to be rare based on population cohorts in the Genome Aggregation Database (gnomAD). This alteration is expected to result in loss of function by premature protein truncation or nonsense-mediated mRNA decay. While truncating variants in TTN are present in 1-3% of the general population, truncating variants in the A-band are the most common cause of dilated cardiomyopathy (DCM) (Herman DS et al. N. Engl. J. Med., 2012 Feb;366:619-28; Roberts AM et al. Sci Transl Med, 2015 Jan;7:270ra6). TTN truncating variants encoded in constitutive exons (PSI >90%) have been found to be significantly associated with DCM regardless of their position in titin (Schafer S et al. Nat. Genet., 2017 01;49:46-53). Based on the majority of available evidence to date, this variant is likely to be pathogenic.